The following is an entry in ClinVar:

NM_000138.5(FBN1):c.1200A>C (p.Glu400Asp)

Gene: FBN1 (fibrillin 1; minus strand). Cytogenetic location: 15q21.1.
Variant type: single nucleotide variant.
Coding change: c.1200A>C on transcript NM_000138.5 (MANE Select); coding-DNA position 1200, A replaced by C.
Protein change: p.Glu400Asp; replaces glutamic acid 400 with aspartic acid.
Molecular consequence: missense variant.
Genome position (GRCh38, 1-based): chr15:48,516,310, T>G on the plus strand (A>C on the coding strand, the complement: FBN1 is on the minus strand). VCF-style: chr15-48516310-T-G. GRCh37 (hg19) VCF-style: chr15-48808507-T-G.
Other names: c.1200A>C, p.Glu400Asp (NM_001406716.1); short protein forms E400D.
Identifiers: ClinVar variation 2773391 (VCV002773391.2), dbSNP rs1182774402, ClinGen allele CA392345637.

ClinVar aggregate classification (germline): Uncertain significance (1 of 4 stars; one submission).

Conditions:
Familial thoracic aortic aneurysm and aortic dissection (TAAD). Also called: Thoracic aortic aneurysms and dissections. Identifiers: Orphanet 91387, MedGen C4707243, MONDO:0019625.

Submission:

Color Diagnostics, LLC DBA Color Health
Classification: Uncertain significance for Familial thoracic aortic aneurysm and aortic dissection. Last evaluated: 2024-03-06. Review status: criteria provided, single submitter. Criteria: ACMG Guidelines, 2015. Collection method: clinical testing. Allele origin: germline.
Comment: This missense variant replaces glutamic acid with aspartic acid at codon 400 of the FBN1 protein. Computational prediction suggests that this variant may not impact protein structure and function (internally defined REVEL score threshold <= 0.5, PMID: 27666373). To our knowledge, functional studies have not been reported for this variant. This variant has not been reported in individuals affected with cardiovascular disorders in the literature. This variant has not been identified in the general population by the Genome Aggregation Database (gnomAD). The available evidence is insufficient to determine the role of this variant in disease conclusively. Therefore, this variant is classified as a Variant of Uncertain Significance.